The following is an entry in ClinVar:

ClinVar aggregate classification (germline): Pathogenic (1 of 4 stars; one submission).

Submission:

Labcorp Genetics (formerly Invitae), Labcorp
Classification: Pathogenic. Last evaluated: 2025-12-01. Review status: criteria provided, single submitter. Criteria: Invitae Variant Classification Sherloc (09022015). Collection method: clinical testing. Allele origin: germline.
Comment: This variant, c.5630_5644dup, results in the insertion of 5 amino acid(s) of the ABCA4 protein (p.Lys1877_Ala1881dup), but otherwise preserves the integrity of the reading frame. This variant is not present in population databases (gnomAD no frequency). This variant has been observed in individual(s) with Stargardt disease (PMID: 19028736, 32619608). In at least one individual the data is consistent with being in trans (on the opposite chromosome) from a pathogenic variant. This variant is also known as p.KNLFA1876dup. ClinVar contains an entry for this variant (Variation ID: 2733915). For these reasons, this variant has been classified as Pathogenic.

Literature cited by the submitters: PubMed 19028736; PubMed 32619608.

NM_000350.3(ABCA4):c.5630_5644dup (p.Ala1881_Met1882insLysAsnLeuPheAla)

Gene: ABCA4 (ATP binding cassette subfamily A member 4; minus strand). Cytogenetic location: 1p22.1.
Variant type: Duplication.
Coding change: c.5630_5644dup on transcript NM_000350.3 (MANE Select); coding-DNA positions 5630 to 5644, 15 bases duplicated (AGAACCTGTTTGCCA).
Protein change: p.Ala1881_Met1882insLysAsnLeuPheAla.
Molecular consequence: inframe insertion. On other transcripts: inframe indel (1).
Genome position (GRCh38, 1-based): chr1:94,010,870-94,010,884, TGGCAAACAGGTTCT duplicated on the plus strand (AGAACCTGTTTGCCA on the coding strand, the reverse complement: ABCA4 is on the minus strand); duplicating any 15 consecutive bases within chr1:94,010,870-94,010,885 gives the same sequence; the c. name uses the placement nearest the transcript's 3' end. VCF-style (leftmost placement, unchanged base first): chr1-94010869-A-ATGGCAAACAGGTTCT. GRCh37 (hg19) VCF-style: chr1-94476425-A-ATGGCAAACAGGTTCT.
Other names: c.5407_5421dup, p.Ala1807_Met1808insLysAsnLeuPheAla (NM_001425324.1).
Identifiers: ClinVar variation 2733915 (VCV002733915.3), dbSNP rs2523655487, ClinGen allele CA645372215.
Genomic context (GRCh38, chr1:94,010,869, plus strand): 5'-AGGAAGAAGTGGCGCTGGACCAGCAGGGTCAGGAGGAAGTACACCACCCCTTCCACCACC[A>ATGGCAAACAGGTTCT]TGGCAAACAGGTTCTTCCCAATCAGGTCCCAGTGGAACGGATTTGCAGAGTGCTCCTCAC-3'